The following is an entry in ClinVar:

ClinVar aggregate classification (germline): Conflicting classifications of pathogenicity. Review status: criteria provided, conflicting classifications (1 of 4 stars). 9 submissions from 8 submitters: Uncertain significance (3); Benign (1); Likely benign (5). Last evaluated 2026-03-19.

Conditions:
Hereditary cancer-predisposing syndrome. Also called: Tumor predisposition; Hereditary Cancer Syndrome; Hereditary neoplastic syndrome; Neoplastic Syndromes, Hereditary. Identifiers: Orphanet 140162, MedGen C0027672, MeSH D009386, MONDO:0015356.
Tuberous sclerosis syndrome (TSC). Also called: Tuberous Sclerosis Complex; Tuberous sclerosis. Identifiers: Orphanet 805, MedGen C0041341, MONDO:0001734.
Isolated focal cortical dysplasia type II (FCORD2). Also called: Focal cortical dysplasia type II; CORTICAL DYSPLASIA OF TAYLOR. Identifiers: Orphanet 268994, MedGen C1846385, MONDO:0011818, OMIM 607341, HP:0032051.
Tuberous sclerosis 1 (TSC1). Identifiers: Orphanet 805, MedGen C1854465, MONDO:0008612, OMIM 191100.

Allele frequency attached by ClinVar (database versions not stated): 1000 Genomes Project 30x 0.00016; ExAC 0.00001; gnomAD exomes 0.00001; TOPMed 0.00001; 1000 Genomes Project 0.00020.
gnomAD v4.1: 6 of 1,614,128 alleles (0.00037%); highest among the groups gnomAD compares: East Asian, 0.0045%; no homozygotes.

Submissions (9):

Ambry Genetics
Classification: Uncertain significance for Hereditary cancer-predisposing syndrome. Last evaluated: 2026-03-19. Review status: criteria provided, single submitter. Criteria: Ambry Variant Classification Scheme 2023. Collection method: clinical testing. Allele origin: germline.
Comment: The p.E258K variant (also known as c.772G>A), located in coding exon 7 of the TSC1 gene, results from a G to A substitution at nucleotide position 772. The glutamic acid at codon 258 is replaced by lysine, an amino acid with similar properties. This variant has been detected in multiple individuals with no reported features of tuberous sclerosis complex (Ambry internal data). This amino acid position is highly conserved in available vertebrate species. In addition, this alteration is predicted to be deleterious by in silico analysis. Based on the available evidence, the clinical significance of this alteration remains unclear.

Labcorp Genetics (formerly Invitae), Labcorp
Classification: Benign for Tuberous sclerosis 1. Last evaluated: 2025-10-06. Review status: criteria provided, single submitter. Criteria: Invitae Variant Classification Sherloc (09022015). Collection method: clinical testing. Allele origin: germline.

Myriad Genetics, Inc.
Classification: Likely benign for Tuberous sclerosis 1. Last evaluated: 2024-08-27. Review status: criteria provided, single submitter. Criteria: Myriad Autosomal Dominant, Autosomal Recessive and X-Linked Classification Criteria (2023). Collection method: clinical testing. Allele origin: unknown.
Comment: This variant is considered likely benign. This variant has been observed at a population frequency that is significantly greater than expected given the associated disease prevalence and penetrance.

All of Us Research Program, National Institutes of Health
Classification: Uncertain significance for Tuberous sclerosis syndrome. Last evaluated: 2024-02-22. Review status: criteria provided, single submitter. Criteria: ACMG Guidelines, 2015. Collection method: clinical testing. Allele origin: germline. Inheritance: Autosomal dominant inheritance. Observed: 1 variant allele, 1 heterozygote.
Comment: This missense variant replaces glutamic acid with lysine at codon 258 of the TSC1 protein. Computational prediction suggests that this variant may have deleterious impact on protein structure and function. To our knowledge, functional studies have not been reported for this variant. This variant has not been reported in individuals affected with TSC1-related disorders in the literature. This variant has been identified in 2/251406 chromosomes in the general population by the Genome Aggregation Database (gnomAD). The available evidence is insufficient to determine the role of this variant in disease conclusively. Therefore, this variant is classified as a Variant of Uncertain Significance.

This study involves interpretation of variants in research participants for the purpose of population health screening. Participant phenotype was not available at the time of variant classification. Additional details can be found in publication PMID: 35346344, PMCID: PMC8962531

Color Diagnostics, LLC DBA Color Health
Classification: Uncertain significance for Tuberous sclerosis syndrome. Last evaluated: 2024-01-30. Review status: criteria provided, single submitter. Criteria: ACMG Guidelines, 2015. Collection method: clinical testing. Allele origin: germline.
Comment: This missense variant replaces glutamic acid with lysine at codon 258 of the TSC1 protein. Computational prediction suggests that this variant may have deleterious impact on protein structure and function. To our knowledge, functional studies have not been reported for this variant. This variant has not been reported in individuals affected with TSC1-related disorders in the literature. This variant has been identified in 2/251406 chromosomes in the general population by the Genome Aggregation Database (gnomAD). The available evidence is insufficient to determine the role of this variant in disease conclusively. Therefore, this variant is classified as a Variant of Uncertain Significance.

Genome-Nilou Lab
Classification: Likely benign for Tuberous sclerosis 1. Last evaluated: 2021-11-07. Review status: criteria provided, single submitter. Criteria: ACMG Guidelines, 2015. Collection method: clinical testing. Allele origin: germline. Affected: no.

GeneDx
Classification: Likely benign. Last evaluated: 2019-09-16. Review status: criteria provided, single submitter. Criteria: GeneDx Variant Classification Process June 2021. Collection method: clinical testing. Allele origin: germline. Affected: yes.
Comment: In silico analysis, which includes protein predictors and evolutionary conservation, supports a deleterious effect; Has not been previously published as pathogenic or benign to our knowledge

Illumina Laboratory Services, Illumina
Classification: Likely benign for Tuberous sclerosis 1. Last evaluated: 2017-04-27. Review status: criteria provided, single submitter. Criteria: ICSL Variant Classification Criteria 13 December 2019. Collection method: clinical testing. Allele origin: germline.
Comment: This variant was observed as part of a predisposition screen in an ostensibly healthy population. A literature search was performed for the gene, cDNA change, and amino acid change (where applicable). No publications were found based on this search. Allele frequency data from public databases allowed determination this variant is unlikely to cause disease. Therefore, this variant is classified as likely benign.

Illumina Laboratory Services, Illumina
Classification: Likely benign for Isolated focal cortical dysplasia type II. Last evaluated: 2017-04-27. Review status: criteria provided, single submitter. Criteria: ICSL Variant Classification Criteria 13 December 2019. Collection method: clinical testing. Allele origin: germline.
Comment: the same text as in the submission from Illumina Laboratory Services, Illumina above.

NM_000368.5(TSC1):c.772G>A (p.Glu258Lys)

Gene: TSC1 (TSC complex subunit 1; minus strand). Cytogenetic location: 9q34.13.
Variant type: single nucleotide variant.
Coding change: c.772G>A on transcript NM_000368.5 (MANE Select); coding-DNA position 772, G replaced by A.
Protein change: p.Glu258Lys; replaces glutamic acid 258 with lysine.
Molecular consequence: missense variant.
Genome position (GRCh38, 1-based): chr9:132,912,423, C>T on the plus strand (G>A on the coding strand, the complement: TSC1 is on the minus strand). VCF-style: chr9-132912423-C-T. GRCh37 (hg19) VCF-style: chr9-135787810-C-T.
Other names: p.E258K:GAG>AAG; c.772G>A, p.Glu258Lys (NM_001162426.2); c.619G>A, p.Glu207Lys (NM_001162427.2); c.409G>A, p.Glu137Lys (NM_001362177.2); short protein forms E258K, E137K, E207K.
Identifiers: ClinVar variation 207627 (VCV000207627.30), dbSNP rs118203450, ClinGen allele CA038893.